The following is an entry in ClinVar:

NM_002474.3(MYH11):c.814A>G (p.Ile272Val)

Gene: MYH11 (myosin heavy chain 11; minus strand). Cytogenetic location: 16p13.11.
Variant type: single nucleotide variant.
Coding change: c.814A>G on transcript NM_002474.3 (MANE Select); coding-DNA position 814, A replaced by G.
Protein change: p.Ile272Val; replaces isoleucine 272 with valine.
Molecular consequence: missense variant.
Genome position (GRCh38, 1-based): chr16:15,776,153, T>C on the plus strand (A>G on the coding strand, the complement: MYH11 is on the minus strand). VCF-style: chr16-15776153-T-C. GRCh37 (hg19) VCF-style: chr16-15870010-T-C.
Other names: c.835A>G, p.Ile279Val (NM_001040113.2, NM_001040114.2); c.814A>G, p.Ile272Val (NM_022844.3); short protein forms I272V, I279V.
Identifiers: ClinVar variation 3222398 (VCV003222398.3), dbSNP rs1429935046, ClinGen allele CA394869592.

ClinVar aggregate classification (germline): Uncertain significance. Review status: criteria provided, multiple submitters, no conflicts (2 of 4 stars). 2 submissions from 2 submitters: Uncertain significance (2). Last evaluated 2024-02-18.

Conditions:
Familial thoracic aortic aneurysm and aortic dissection (TAAD). Also called: Thoracic aortic aneurysms and dissections. Identifiers: Orphanet 91387, MedGen C4707243, MONDO:0019625.
Aortic aneurysm, familial thoracic 4 (AAT4). Also called: AORTIC ANEURYSM/AORTIC DISSECTION AND PATENT DUCTUS ARTERIOSUS. Identifiers: MedGen C1851504, MONDO:0007568, OMIM 132900.

Allele frequency attached by ClinVar (database versions not stated): TOPMed below 0.00001; gnomAD 0.00001.
gnomAD v4.1: 1 of 1,613,884 alleles (0.000062%); highest among the groups gnomAD compares: African/African-American, 0.0013%; no homozygotes.

Submissions (2):

Labcorp Genetics (formerly Invitae), Labcorp
Classification: Uncertain significance for Aortic aneurysm, familial thoracic 4. Last evaluated: 2024-02-18. Review status: criteria provided, single submitter. Criteria: Invitae Variant Classification Sherloc (09022015). Collection method: clinical testing. Allele origin: germline.
Comment: This sequence change replaces isoleucine, which is neutral and non-polar, with valine, which is neutral and non-polar, at codon 279 of the MYH11 protein (p.Ile279Val). This variant is not present in population databases (gnomAD no frequency). This variant has not been reported in the literature in individuals affected with MYH11-related conditions. Advanced modeling of protein sequence and biophysical properties (such as structural, functional, and spatial information, amino acid conservation, physicochemical variation, residue mobility, and thermodynamic stability) performed at Invitae indicates that this missense variant is not expected to disrupt MYH11 protein function with a negative predictive value of 95%. In summary, the available evidence is currently insufficient to determine the role of this variant in disease. Therefore, it has been classified as a Variant of Uncertain Significance.

Ambry Genetics
Classification: Uncertain significance for Familial thoracic aortic aneurysm and aortic dissection. Last evaluated: 2024-02-16. Review status: criteria provided, single submitter. Criteria: Ambry Variant Classification Scheme 2023. Collection method: clinical testing. Allele origin: germline.
Comment: The p.I272V variant (also known as c.814A>G), located in coding exon 7 of the MYH11 gene, results from an A to G substitution at nucleotide position 814. The isoleucine at codon 272 is replaced by valine, an amino acid with highly similar properties. This amino acid position is conserved. In addition, this alteration is predicted to be tolerated by in silico analysis. Based on the available evidence, the clinical significance of this alteration remains unclear.